The following is an entry in ClinVar:

NM_001291303.3(FAT4):c.4708G>A (p.Gly1570Arg)

Gene: FAT4 (FAT atypical cadherin 4; plus strand). Cytogenetic location: 4q28.1.
Variant type: single nucleotide variant.
Coding change: c.4708G>A on transcript NM_001291303.3 (MANE Select); coding-DNA position 4708, G replaced by A.
Protein change: p.Gly1570Arg; replaces glycine 1570 with arginine.
Molecular consequence: missense variant.
Genome position (GRCh38, 1-based): chr4:125,321,119, G>A. VCF-style: chr4-125321119-G-A. GRCh37 (hg19) VCF-style: chr4-126242274-G-A.
Other names: c.4708G>A, p.Gly1570Arg (NM_001291285.3, NM_024582.6); short protein forms G1570R.
Identifiers: ClinVar variation 3370969 (VCV003370969.1).
Genomic context (GRCh38, chr4:125,321,119, plus strand): 5'-ATTATGGCTGCTGACCCAGATGAAGGTGCTAATGGAGAAATAGAGTATGAGATCATCAAT[G>A]GGGACACAGACACCTTCATTGTTGATCGTTATAGTGGAGACCTGAGAGTGGCTTCAGCGT-3'
Protein context (NP_001278232.1, residues 1560-1580): NGEIEYEIIN[Gly1570Arg]DTDTFIVDRY

ClinVar aggregate classification (germline): Uncertain significance (1 of 4 stars; one submission).

Submission:

GeneDx
Classification: Uncertain significance. Last evaluated: 2024-03-18. Review status: criteria provided, single submitter. Criteria: GeneDx Variant Classification Process June 2021. Collection method: clinical testing. Allele origin: germline. Affected: yes.
Comment: Not observed at significant frequency in large population cohorts (gnomAD); In silico analysis supports that this missense variant has a deleterious effect on protein structure/function; Has not been previously published as pathogenic or benign to our knowledge